The following is an entry in ClinVar:

ClinVar aggregate classification (germline): Uncertain significance. Review status: criteria provided, multiple submitters, no conflicts (2 of 4 stars). 2 submissions from 2 submitters: Uncertain significance (2). Last evaluated 2025-08-25.

Conditions:
Familial thoracic aortic aneurysm and aortic dissection (TAAD). Also called: Thoracic aortic aneurysms and dissections. Identifiers: Orphanet 91387, MedGen C4707243, MONDO:0019625.

gnomAD v4.1: 2 of 1,614,200 alleles (0.00012%); highest among the groups gnomAD compares: African/African-American, 0.0027%; no homozygotes.

Submissions (2):

Ambry Genetics
Classification: Uncertain significance for Familial thoracic aortic aneurysm and aortic dissection. Last evaluated: 2025-08-25. Review status: criteria provided, single submitter. Criteria: Ambry Variant Classification Scheme 2023. Collection method: clinical testing. Allele origin: germline.

GeneDx
Classification: Uncertain significance. Last evaluated: 2024-12-08. Review status: criteria provided, single submitter. Criteria: GeneDx Variant Classification Process June 2021. Collection method: clinical testing. Allele origin: germline. Affected: yes.
Comment: Not observed at significant frequency in large population cohorts (gnomAD); In silico analysis supports that this missense variant has a deleterious effect on protein structure/function; Has not been previously published as pathogenic or benign to our knowledge

NM_002474.3(MYH11):c.4246G>C (p.Asp1416His)

Genes: MYH11 (myosin heavy chain 11; minus strand), NDE1 (nudE neurodevelopment protein 1; plus strand). Cytogenetic location: 16p13.11.
Variant type: single nucleotide variant.
Coding change: c.4246G>C on transcript NM_002474.3 (MANE Select); coding-DNA position 4246, G replaced by C.
Protein change: p.Asp1416His; replaces aspartic acid 1416 with histidine.
Molecular consequence: missense variant. On other transcripts: 3 prime UTR variant (2).
Genome position (GRCh38, 1-based): chr16:15,724,280, C>G on the plus strand (G>C on the coding strand, the complement: MYH11 is on the minus strand). VCF-style: chr16-15724280-C-G. GRCh37 (hg19) VCF-style: chr16-15818137-C-G.
Other names: c.4246G>C (NM_002474.2); c.4267G>C, p.Asp1423His (NM_001040113.2, NM_001040114.2); c.4246G>C, p.Asp1416His (NM_022844.3); c.*29C>G (NM_001143979.2, NM_017668.3); short protein forms D1416H, D1423H.
Identifiers: ClinVar variation 3901331 (VCV003901331.2).